The following is an entry in ClinVar:

NM_001083962.2(TCF4):c.635C>G (p.Pro212Arg)

Gene: TCF4 (transcription factor 4; minus strand). Cytogenetic location: 18q21.2.
Variant type: single nucleotide variant.
Coding change: c.635C>G on transcript NM_001083962.2 (MANE Select); coding-DNA position 635, C replaced by G.
Protein change: p.Pro212Arg; replaces proline 212 with arginine.
Molecular consequence: missense variant. On other transcripts: 5 prime UTR variant (1).
Genome position (GRCh38, 1-based): chr18:55,279,571, G>C on the plus strand (C>G on the coding strand, the complement: TCF4 is on the minus strand). VCF-style: chr18-55279571-G-C. GRCh37 (hg19) VCF-style: chr18-52946802-G-C.
Other names: c.560C>G, p.Pro187Arg (NM_001369576.1, NM_001348220.1, NM_001369584.1 and 3 more transcripts); c.563C>G, p.Pro188Arg (NM_001369577.1, NM_001369575.1, NM_001243227.2 and 9 more transcripts); c.632C>G, p.Pro211Arg (NM_001369573.1, NM_001369569.1, NM_001369570.1); c.635C>G, p.Pro212Arg (NM_001369574.1, NM_001330604.3, NM_001369567.1 and 4 more transcripts); c.941C>G, p.Pro314Arg (NM_001243226.3); c.653C>G, p.Pro218Arg (NM_001243228.2); c.629C>G, p.Pro210Arg (NM_001243230.2); c.509C>G, p.Pro170Arg (NM_001243231.2, NM_001348211.2); and 4 more; short protein forms P141R, P170R, P187R, P188R, P210R, P211R, P212R, P218R.
Identifiers: ClinVar variation 1311440 (VCV001311440.3), dbSNP rs2146264091, ClinGen allele CA402701755.
Genomic context (GRCh38, chr18:55,279,571, plus strand): 5'-CTATCCAGTGGCCTTTCCCTCAGAAGCAGCAGCATCTTACCTTGCATGAAGAAGGAGCTA[G>C]GGAAAGTGCTGGTTGCTGGTTTGGAGGAAGGATAGCCTGGCGAGTCCCTATTGTAGTCGG-3'
Protein context (NP_001077431.1, residues 202-222): PSSKPATSTF[Pro212Arg]SSFFMQDGHH

ClinVar aggregate classification (germline): Uncertain significance. Review status: criteria provided, multiple submitters, no conflicts (2 of 4 stars). 2 submissions from 2 submitters: Uncertain significance (2). Last evaluated 2025-11-18.

Conditions:
Pitt-Hopkins syndrome (PTHS). Also called: ENCEPHALOPATHY, SEVERE EPILEPTIC, WITH AUTONOMIC DYSFUNCTION; MENTAL RETARDATION, SYNDROMAL, WITH INTERMITTENT HYPERVENTILATION. Identifiers: Orphanet 2896, MedGen C1970431, MONDO:0012589, OMIM 610954.

Submissions (2):

Labcorp Genetics (formerly Invitae), Labcorp
Classification: Uncertain significance for Pitt-Hopkins syndrome. Last evaluated: 2025-11-18. Review status: criteria provided, single submitter. Criteria: Invitae Variant Classification Sherloc (09022015). Collection method: clinical testing. Allele origin: germline.
Comment: This sequence change replaces proline, which is neutral and non-polar, with arginine, which is basic and polar, at codon 212 of the TCF4 protein (p.Pro212Arg). This variant is not present in population databases (gnomAD no frequency). This variant has not been reported in the literature in individuals affected with TCF4-related conditions. This missense change has been observed in at least one individual who was not affected with TCF4-related conditions (internal data). ClinVar contains an entry for this variant (Variation ID: 1311440). Invitae Evidence Modeling of protein sequence and biophysical properties (such as structural, functional, and spatial information, amino acid conservation, physicochemical variation, residue mobility, and thermodynamic stability) has been performed for this missense variant. However, the output from this modeling did not meet the statistical confidence thresholds required to predict the impact of this variant on TCF4 protein function. In summary, the available evidence is currently insufficient to determine the role of this variant in disease. Therefore, it has been classified as a Variant of Uncertain Significance.

GeneDx
Classification: Uncertain significance. Last evaluated: 2019-12-23. Review status: criteria provided, single submitter. Criteria: GeneDx Variant Classification Process June 2021. Collection method: clinical testing. Allele origin: germline. Affected: yes.
Comment: Not observed in large population cohorts (Lek et al., 2016); In silico analysis, which includes protein predictors and evolutionary conservation, supports a deleterious effect; Has not been previously published as pathogenic or benign to our knowledge